The following is an entry in ClinVar:

NM_032545.4(CFC1):c.649_655del (p.Pro217fs)

Gene: CFC1 (cryptic, EGF-CFC family member 1; minus strand). Cytogenetic location: 2q21.1.
Variant type: Deletion.
Coding change: c.649_655del on transcript NM_032545.4 (MANE Select); coding-DNA positions 649 to 655, 7 bases deleted (CCGGGAC; older notation c.649_655delCCGGGAC).
Protein change: p.Pro217fs; shifts the reading frame from proline 217.
Molecular consequence: frameshift variant.
Genome position (GRCh38, 1-based): chr2:130,592,894-130,592,900, GTCCCGG deleted on the plus strand (CCGGGAC on the coding strand, the reverse complement: CFC1 is on the minus strand). VCF-style (leftmost placement, unchanged base first): chr2-130592893-AGTCCCGG-A. GRCh37 (hg19) VCF-style: chr2-131350466-AGTCCCGG-A.
Other names: c.534_540del, p.Arg179fs (NM_001270420.2); c.424_430del, p.Pro142fs (NM_001270421.2); short protein forms P142fs, P217fs, R179fs.
Identifiers: ClinVar variation 3776528 (VCV003776528.1).

ClinVar aggregate classification (germline): Uncertain significance (1 of 4 stars; one submission).

Submission:

GeneDx
Classification: Uncertain significance. Last evaluated: 2024-10-01. Review status: criteria provided, single submitter. Criteria: GeneDx Variant Classification Process June 2021. Collection method: clinical testing. Allele origin: germline. Affected: yes.
Comment: Not observed at significant frequency in large population cohorts (gnomAD); Has not been previously published as pathogenic or benign to our knowledge; Frameshift variant predicted to result in abnormal protein length as the last 7 amino acids are replaced with 11 different amino acids